The following is an entry in ClinVar:

NM_004239.4(TRIP11):c.5416A>G (p.Met1806Val)

Gene: TRIP11 (thyroid hormone receptor interactor 11; minus strand). Cytogenetic location: 14q32.12.
Variant type: single nucleotide variant.
Coding change: c.5416A>G on transcript NM_004239.4 (MANE Select); coding-DNA position 5416, A replaced by G.
Protein change: p.Met1806Val; replaces methionine 1806 with valine.
Molecular consequence: missense variant.
Genome position (GRCh38, 1-based): chr14:91,975,213, T>C on the plus strand (A>G on the coding strand, the complement: TRIP11 is on the minus strand). VCF-style: chr14-91975213-T-C. GRCh37 (hg19) VCF-style: chr14-92441557-T-C.
Other names: c.5413A>G, p.Met1805Val (NM_001321851.1); short protein forms M1806V, M1805V.
Identifiers: ClinVar variation 619112 (VCV000619112.4), dbSNP rs1566843321, ClinGen allele CA390644523.

ClinVar aggregate classification (germline): Likely pathogenic. Review status: criteria provided, single submitter (1 of 4 stars). 2 submissions from 2 submitters: Likely pathogenic (1). 1 of the submissions does not count toward it. Last evaluated 2019-06-27.

Conditions:
Odontochondrodysplasia 1. Identifiers: Orphanet 166272, MedGen C5542277, MONDO:0100325, OMIM 184260.

Submissions (2):

SIB Swiss Institute of Bioinformatics
Classification: Likely pathogenic for Odontochondrodysplasia 1. Last evaluated: 2019-06-27. Review status: criteria provided, single submitter. Criteria: ACMG Guidelines, 2015. Collection method: curation. Allele origin: unknown.
Comment: This variant is interpreted as a Likely pathogenic for Odontochondrodysplasia, autosomal recessive. The following ACMG Tag(s) were applied: PM2, PP3, PM1-Supporting, PM3.

OMIM
Classification: Pathogenic for ODONTOCHONDRODYSPLASIA 1. Last evaluated: 2021-08-06. Review status: no assertion criteria provided. Collection method: literature only. Allele origin: germline. Not counted in ClinVar's aggregate classification.

Literature cited by the submitters: PubMed 30728324 (cited by SIB Swiss Institute of Bioinformatics and OMIM).